The following is an entry in ClinVar:

NM_000512.5(GALNS):c.536C>T (p.Pro179Leu)

Gene: GALNS (galactosamine (N-acetyl)-6-sulfatase; minus strand). Cytogenetic location: 16q24.3.
Variant type: single nucleotide variant.
Coding change: c.536C>T on transcript NM_000512.5 (MANE Select); coding-DNA position 536, C replaced by T.
Protein change: p.Pro179Leu; replaces proline 179 with leucine.
Molecular consequence: missense variant. On other transcripts: 5 prime UTR variant (1).
Genome position (GRCh38, 1-based): chr16:88,837,652, G>A on the plus strand (C>T on the coding strand, the complement: GALNS is on the minus strand). VCF-style: chr16-88837652-G-A. GRCh37 (hg19) VCF-style: chr16-88904060-G-A.
Other names: c.-20C>T (NM_001323543.2); c.554C>T, p.Pro185Leu (NM_001323544.2); short protein forms P179L, P185L.
Identifiers: ClinVar variation 1048289 (VCV001048289.3), dbSNP rs1912278519, ClinGen allele CA397082737.

ClinVar aggregate classification (germline): Uncertain significance (1 of 4 stars; one submission).

Conditions:
Mucopolysaccharidosis, MPS-IV-A (MPS4A). Also called: Mucopolysaccharidosis type IV A; Mucopolysaccharidosis Type IVA; Morquio syndrome A, mild; MORQUIO SYNDROME A; MPS IVA; mucopolysaccharidosis type 4A. Identifiers: Orphanet 309297, Orphanet 582, MedGen C0086651, MONDO:0009659, OMIM 253000.

Allele frequency attached by ClinVar (database versions not stated): TOPMed below 0.00001.

Submission:

Laboratory of Diagnosis and Therapy of Lysosomal Disorders, University of Padova
Classification: Uncertain significance for Mucopolysaccharidosis, MPS-IV-A. Last evaluated: 2021-02-01. Review status: criteria provided, single submitter. Criteria: ACMG Guidelines, 2015. Collection method: curation. Allele origin: germline. Affected: yes.
Comment: Absent from gnomAD v2.1.1 (PM2_moderate); multiple lines of computational evidence support a deleterious effect on the gene (PP3_supporting)

Literature cited by the submitters: PubMed 9521421; PubMed 34387910.